The following is an entry in ClinVar:

ClinVar aggregate classification (germline): Uncertain significance. Review status: criteria provided, multiple submitters, no conflicts (2 of 4 stars). 2 submissions from 2 submitters: Uncertain significance (2). Last evaluated 2025-07-09.

Conditions:
Congenital primary aphakia. Also called: ANTERIOR SEGMENT DYSGENESIS 2; Anterior segment dysgenesis 2, multiple subtypes. Identifiers: Orphanet 83461, MedGen C1853230, MONDO:0012456, OMIM 610256.
Anterior segment dysgenesis. Also called: Ocular anterior segment dysgenesis. Identifiers: Orphanet 88632, MedGen C1862839, MONDO:0019503, HP:0007700.
Cardiovascular phenotype. Identifiers: MedGen CN230736.

Submissions (2):

Ambry Genetics
Classification: Uncertain significance for Cardiovascular phenotype. Last evaluated: 2025-07-09. Review status: criteria provided, single submitter. Criteria: Ambry Variant Classification Scheme 2023. Collection method: clinical testing. Allele origin: germline.
Comment: The c.135_155del21 variant (also known as p.A46_A52del) is located in coding exon 1 of the FOXE3 gene. This variant results from an in-frame GGCTGGCCGCGGAGAGGCGGC deletion at nucleotide positions 135 to 155. This results in the in-frame deletion of 7 amino acids at codons 46 to 52. This amino acid region is poorly conserved in available vertebrate species. In addition, the in silico prediction for this variant is inconclusive (Choi Y et al. PLoS ONE. 2012; 7(10):e46688). Based on the available evidence, the clinical significance of this variant remains unclear.

Labcorp Genetics (formerly Invitae), Labcorp
Classification: Uncertain significance for Anterior segment dysgenesis; Congenital primary aphakia. Last evaluated: 2023-10-22. Review status: criteria provided, single submitter. Criteria: Invitae Variant Classification Sherloc (09022015). Collection method: clinical testing. Allele origin: germline.
Comment: This variant, c.135_155del, results in the deletion of 7 amino acid(s) of the FOXE3 protein (p.Ala46_Ala52del), but otherwise preserves the integrity of the reading frame. The frequency data for this variant in the population databases is considered unreliable, as metrics indicate insufficient coverage at this position in the gnomAD database. This variant has not been reported in the literature in individuals affected with FOXE3-related conditions. ClinVar contains an entry for this variant (Variation ID: 834580). Experimental studies and prediction algorithms are not available or were not evaluated, and the functional significance of this variant is currently unknown. In summary, the available evidence is currently insufficient to determine the role of this variant in disease. Therefore, it has been classified as a Variant of Uncertain Significance.

NM_012186.3(FOXE3):c.135_155del (p.Ala46_Ala52del)

Genes: FOXE3 (forkhead box E3; plus strand), LINC01389 (long independently transcribed non-coding RNA 1389; minus strand). Cytogenetic location: 1p33.
Variant type: Deletion.
Coding change: c.135_155del on transcript NM_012186.3 (MANE Select); coding-DNA positions 135 to 155, 21 bases deleted (GGCTGGCCGCGGAGAGGCGGC).
Protein change: p.Ala46_Ala52del.
Molecular consequence: inframe deletion.
Genome position (GRCh38, 1-based): chr1:47,416,450-47,416,470, GGCTGGCCGCGGAGAGGCGGC deleted; deleting any 21 consecutive bases within chr1:47,416,442-47,416,470 gives the same sequence; the c. name uses the placement nearest the transcript's 3' end. VCF-style (leftmost placement, unchanged base first): chr1-47416441-GGAGGCGGCGGCTGGCCGCGGA-G. GRCh37 (hg19) VCF-style: chr1-47882113-GGAGGCGGCGGCTGGCCGCGGA-G.
Other names: c.135_155del21 (NM_012186.2).
Identifiers: ClinVar variation 834580 (VCV000834580.11), dbSNP rs1415958869, ClinGen allele CA736352942.